The following is an entry in ClinVar:

NM_175914.5(HNF4A):c.*1106G>A

Gene: HNF4A (hepatocyte nuclear factor 4 alpha; plus strand). Cytogenetic location: 20q13.12.
Variant type: single nucleotide variant.
Coding change: c.*1106G>A on transcript NM_175914.5 (MANE Select); 1106 bases downstream of the stop codon, G replaced by A.
Molecular consequence: 3 prime UTR variant.
Genome position (GRCh38, 1-based): chr20:44,430,771, G>A. VCF-style: chr20-44430771-G-A. GRCh37 (hg19) VCF-style: chr20-43059411-G-A.
Other names: c.*1106G>A (NM_000457.6, NM_001030003.3, NM_001258355.2 and 3 more transcripts).
Identifiers: ClinVar variation 338457 (VCV000338457.6), dbSNP rs753675648, ClinGen allele CA10653125.

ClinVar aggregate classification (germline): Conflicting classifications of pathogenicity. Review status: criteria provided, conflicting classifications (1 of 4 stars). 3 submissions from 2 submitters: Uncertain significance (2); Benign (1). Last evaluated 2018-01-12.

Conditions:
Familial hyperinsulinism. Also called: Congenital hyperinsulinism. Identifiers: Orphanet 276525, MedGen C3888018, MONDO:0017182. Disease mechanism: loss of function.
Maturity-onset diabetes of the young type 1. Also called: MILD JUVENILE DIABETES MELLITUS; MODY, type I; MODY type 1; Diabetes mellitus MODY type 1; MODY HNF4A related; HNF4A-Related Maturity-Onset Diabetes of the Young Type 1. Identifiers: Orphanet 552, MedGen C1852093, MONDO:0007452, OMIM 125850. Disease mechanism: loss of function.
Maturity-onset diabetes of the young (MODY). Also called: Maturity onset diabetes mellitus in young. Identifiers: Orphanet 552, MedGen C0342276, MONDO:0018911, HP:0004904.

Submissions (3):

Illumina Laboratory Services, Illumina
Classification: Uncertain significance for Familial hyperinsulinism. Last evaluated: 2018-01-12. Review status: criteria provided, single submitter. Criteria: ICSL Variant Classification Criteria 13 December 2019. Collection method: clinical testing. Allele origin: germline.

Illumina Laboratory Services, Illumina
Classification: Uncertain significance for Maturity-onset diabetes of the young type 1. Last evaluated: 2018-01-12. Review status: criteria provided, single submitter. Criteria: ICSL Variant Classification Criteria 13 December 2019. Collection method: clinical testing. Allele origin: germline.

Clinical Genomics, Uppaluri K&H Personalized Medicine Clinic
Classification: Benign for Maturity-onset diabetes of the young. Review status: criteria provided, single submitter. Criteria: K & H Uppaluri Personalized Medicine Clinic Variant Classification & Assertion Criteria_Updated V.1. Collection method: research. Allele origin: unknown. Inheritance: Autosomal dominant inheritance.
Comment: Potent mutations in HNF4A are associated with poor insulin secretion in response to hyperglycemia. Associated with MODY1. Patients initially respond well to sulfonylureas but eventually become insulin dependent. However, more evidence is required to ascertain the role of this particular variant rs753675648 in MODY, yet.

Literature cited by the submitters: DOI 10.1159/000334532 (cited by Clinical Genomics, Uppaluri K&H Personalized Medicine Clinic); PubMed 18268044 (cited by Clinical Genomics, Uppaluri K&H Personalized Medicine Clinic); PubMed 17563455 (cited by Clinical Genomics, Uppaluri K&H Personalized Medicine Clinic); PubMed 32583173 (cited by Clinical Genomics, Uppaluri K&H Personalized Medicine Clinic); PubMed 35052457 (cited by Clinical Genomics, Uppaluri K&H Personalized Medicine Clinic); PubMed 35118593 (cited by Clinical Genomics, Uppaluri K&H Personalized Medicine Clinic).